The following is an entry in ClinVar:

NM_004260.4(RECQL4):c.2477G>A (p.Arg826Gln)

Gene: RECQL4 (RecQ like helicase 4; minus strand). Cytogenetic location: 8q24.3.
Variant type: single nucleotide variant.
Coding change: c.2477G>A on transcript NM_004260.4 (MANE Select); coding-DNA position 2477, G replaced by A.
Protein change: p.Arg826Gln; replaces arginine 826 with glutamine.
Molecular consequence: missense variant.
Genome position (GRCh38, 1-based): chr8:144,513,125, C>T on the plus strand (G>A on the coding strand, the complement: RECQL4 is on the minus strand). VCF-style: chr8-144513125-C-T. GRCh37 (hg19) VCF-style: chr8-145738508-C-T.
Other names: short protein forms R826Q.
Identifiers: ClinVar variation 459403 (VCV000459403.8), dbSNP rs770800467, ClinGen allele CA4948224.
Genomic context (GRCh38, chr8:144,513,125, plus strand): 5'-ACCAGCCTCTTCACAGCCAGGAAGTCCGTGCTGTCGGCGTGCACATGTCTGCGCAGCTCT[C>T]GCAGGTCTTCGCCCTGCAGGGCAACTTTCATGAGGGTGGGGTGGACCACTGGGGGCTCGA-3'
Protein context (NP_004251.4, residues 816-836): LFLQPQGEDL[Arg826Gln]ELRRHVHADS

ClinVar aggregate classification (germline): Uncertain significance. Review status: criteria provided, multiple submitters, no conflicts (2 of 4 stars). 2 submissions from 2 submitters: Uncertain significance (2). Last evaluated 2025-11-05.

Conditions:
Rothmund-Thomson syndrome type 2 (RTS2). Identifiers: Orphanet 221016, MedGen C5203410, MONDO:0016369, OMIM 268400.
Baller-Gerold syndrome (BGS). Also called: CRANIOSYNOSTOSIS WITH RADIAL DEFECTS. Identifiers: Orphanet 1225, MedGen C0265308, MONDO:0009039, OMIM 218600.

Allele frequency attached by ClinVar (database versions not stated): gnomAD exomes 0.00001; ExAC 0.00002; TOPMed 0.00004; gnomAD 0.00006.

Submissions (2):

Labcorp Genetics (formerly Invitae), Labcorp
Classification: Uncertain significance for Baller-Gerold syndrome. Last evaluated: 2025-11-05. Review status: criteria provided, single submitter. Criteria: Invitae Variant Classification Sherloc (09022015). Collection method: clinical testing. Allele origin: germline.
Comment: This sequence change replaces arginine, which is basic and polar, with glutamine, which is neutral and polar, at codon 826 of the RECQL4 protein (p.Arg826Gln). The frequency data for this variant in the population databases is considered unreliable, as metrics indicate poor data quality at this position in the gnomAD database. This variant has not been reported in the literature in individuals affected with RECQL4-related conditions. ClinVar contains an entry for this variant (Variation ID: 459403). Invitae Evidence Modeling of protein sequence and biophysical properties (such as structural, functional, and spatial information, amino acid conservation, physicochemical variation, residue mobility, and thermodynamic stability) indicates that this missense variant is not expected to disrupt RECQL4 protein function with a negative predictive value of 80%. In summary, the available evidence is currently insufficient to determine the role of this variant in disease. Therefore, it has been classified as a Variant of Uncertain Significance.

Baylor Genetics
Classification: Uncertain significance for Rothmund-Thomson syndrome type 2. Last evaluated: 2021-10-26. Review status: criteria provided, single submitter. Criteria: ACMG Guidelines, 2015. Collection method: clinical testing. Allele origin: unknown. Affected: yes. Study: CSER-TexasKidsCanSeq.
Comment: This variant was determined to be of uncertain significance according to ACMG Guidelines, 2015 [PMID:25741868].